The following is an entry in ClinVar:

ClinVar aggregate classification (germline): Uncertain significance (1 of 4 stars; one submission).

Conditions:
Multiple endocrine neoplasia, type 1 (MEN1). Also called: MEA I; MEN I; WERMER SYNDROME; Endocrine adenomatosis multiple; MEN 1. Identifiers: Orphanet 652, MedGen C0025267, MeSH D018761, MONDO:0007540, OMIM 131100.

Submission:

Labcorp Genetics (formerly Invitae), Labcorp
Classification: Uncertain significance for Multiple endocrine neoplasia, type 1. Last evaluated: 2022-11-25. Review status: criteria provided, single submitter. Criteria: Invitae Variant Classification Sherloc (09022015). Collection method: clinical testing. Allele origin: germline.
Comment: In summary, the available evidence is currently insufficient to determine the role of this variant in disease. Therefore, it has been classified as a Variant of Uncertain Significance. Advanced modeling of protein sequence and biophysical properties (such as structural, functional, and spatial information, amino acid conservation, physicochemical variation, residue mobility, and thermodynamic stability) performed at Invitae indicates that this missense variant is expected to disrupt MEN1 protein function. ClinVar contains an entry for this variant (Variation ID: 645435). This variant has not been reported in the literature in individuals affected with MEN1-related conditions. This variant is not present in population databases (gnomAD no frequency). This sequence change replaces valine, which is neutral and non-polar, with aspartic acid, which is acidic and polar, at codon 347 of the MEN1 protein (p.Val347Asp).

NM_001370259.2(MEN1):c.1040T>A (p.Val347Asp)

Gene: MEN1 (menin 1; minus strand). Cytogenetic location: 11q13.1.
Variant type: single nucleotide variant.
Coding change: c.1040T>A on transcript NM_001370259.2 (MANE Select); coding-DNA position 1040, T replaced by A.
Protein change: p.Val347Asp; replaces valine 347 with aspartic acid.
Molecular consequence: missense variant.
Genome position (GRCh38, 1-based): chr11:64,806,241, A>T on the plus strand (T>A on the coding strand, the complement: MEN1 is on the minus strand). VCF-style: chr11-64806241-A-T. GRCh37 (hg19) VCF-style: chr11-64573713-A-T.
Other names: c.1055T>A, p.Val352Asp (NM_000244.4, NM_130800.3, NM_130801.3 and 3 more transcripts); c.1040T>A, p.Val347Asp (NM_001370251.2, NM_001370260.2, NM_001370261.2 and 1 more transcripts); c.935T>A, p.Val312Asp (NM_001370262.2, NM_001370263.2); short protein forms V352D, V347D, V312D.
Identifiers: ClinVar variation 645435 (VCV000645435.8), dbSNP rs1592642971, ClinGen allele CA381183174.
Genomic context (GRCh38, chr11:64,806,241, plus strand): 5'-GATGGAGGGGAAGAAAGGACAGGCTGCAGGCCCTAGTAGGGGGATCCTCACTCCTGGATG[A>T]CAGTGGCCGTGTCCGCCCAGGCCTGCAGGGCTTCCCGCACATTGCGGTTGCGACAGTGGT-3'
Protein context (NP_001357188.2, residues 337-357): ALQAWADTAT[Val347Asp]IQDYNYCRED